The following is an entry in ClinVar:

ClinVar aggregate classification (germline): Likely benign (0 of 4 stars; one submission).

Conditions:
FAT3-related disorder. Also called: FAT3-related condition.

Allele frequency attached by ClinVar (database versions not stated): TOPMed 0.00006; gnomAD 0.00007; gnomAD exomes 0.00013; ExAC 0.00015.
gnomAD v4.1: 200 of 1,612,974 alleles (0.012%); highest among the groups gnomAD compares: Middle Eastern, 0.017%; 1 homozygote.

Submission:

PreventionGenetics, part of Exact Sciences
Classification: Likely benign for FAT3-related condition. Last evaluated: 2019-06-07. Review status: no assertion criteria provided. Collection method: clinical testing. Allele origin: germline.
Comment: This variant is classified as likely benign based on ACMG/AMP sequence variant interpretation guidelines (Richards et al. 2015 PMID: 25741868, with internal and published modifications).

NM_001367949.2(FAT3):c.10059C>T (p.Asp3353=)

Gene: FAT3 (FAT atypical cadherin 3; plus strand). Cytogenetic location: 11q14.3.
Variant type: single nucleotide variant.
Coding change: c.10059C>T on transcript NM_001367949.2 (MANE Select); coding-DNA position 10059, C replaced by T.
Protein change: p.Asp3353=; no amino-acid change (aspartic acid 3353 retained).
Molecular consequence: synonymous variant.
Genome position (GRCh38, 1-based): chr11:92,835,057, C>T. VCF-style: chr11-92835057-C-T. GRCh37 (hg19) VCF-style: chr11-92568223-C-T.
Other names: c.10059C>T, p.Asp3353= (NM_001008781.3).
Identifiers: ClinVar variation 3044224 (VCV003044224.2), dbSNP rs751403167, ClinGen allele CA6227976.